The following is an entry in ClinVar:

ClinVar aggregate classification (germline): Uncertain significance. Review status: criteria provided, multiple submitters, no conflicts (2 of 4 stars). 2 submissions from 2 submitters: Uncertain significance (2). Last evaluated 2026-04-27.

Conditions:
EGFR-related lung cancer (EGFR). Identifiers: MedGen CN130014.
Hereditary cancer-predisposing syndrome. Also called: Hereditary Cancer Syndrome; Neoplastic Syndromes, Hereditary; Tumor predisposition; Hereditary neoplastic syndrome. Identifiers: Orphanet 140162, MedGen C0027672, MeSH D009386, MONDO:0015356.

Allele frequency attached by ClinVar (database versions not stated): gnomAD 0.00001; gnomAD exomes below 0.00001; TOPMed below 0.00001.
gnomAD v4.1: 5 of 1,613,728 alleles (0.00031%); highest among the groups gnomAD compares: African/African-American, 0.0013%; no homozygotes.

Submissions (2):

Ambry Genetics
Classification: Uncertain significance for Hereditary cancer-predisposing syndrome. Last evaluated: 2026-04-27. Review status: criteria provided, single submitter. Criteria: Ambry Variant Classification Scheme 2023. Collection method: clinical testing. Allele origin: germline.

Labcorp Genetics (formerly Invitae), Labcorp
Classification: Uncertain significance for EGFR-related lung cancer. Last evaluated: 2024-09-03. Review status: criteria provided, single submitter. Criteria: Invitae Variant Classification Sherloc (09022015). Collection method: clinical testing. Allele origin: germline.
Comment: This sequence change replaces alanine, which is neutral and non-polar, with threonine, which is neutral and polar, at codon 501 of the EGFR protein (p.Ala501Thr). This variant is not present in population databases (gnomAD no frequency). This variant has not been reported in the literature in individuals affected with EGFR-related conditions. ClinVar contains an entry for this variant (Variation ID: 962487). An algorithm developed to predict the effect of missense changes on protein structure and function outputs the following: PolyPhen-2: "Benign". The threonine amino acid residue is found in multiple mammalian species, which suggests that this missense change does not adversely affect protein function. In summary, the available evidence is currently insufficient to determine the role of this variant in disease. Therefore, it has been classified as a Variant of Uncertain Significance.

NM_005228.5(EGFR):c.1501G>A (p.Ala501Thr)

Gene: EGFR (epidermal growth factor receptor; plus strand). Cytogenetic location: 7p11.2.
Variant type: single nucleotide variant.
Coding change: c.1501G>A on transcript NM_005228.5 (MANE Select); coding-DNA position 1501, G replaced by A.
Protein change: p.Ala501Thr; replaces alanine 501 with threonine.
Molecular consequence: missense variant.
Genome position (GRCh38, 1-based): chr7:55,161,501, G>A. VCF-style: chr7-55161501-G-A. GRCh37 (hg19) VCF-style: chr7-55229194-G-A.
Other names: c.1366G>A, p.Ala456Thr (NM_001346897.2, NM_001346899.2); c.1501G>A, p.Ala501Thr (NM_001346898.2, NM_201282.2, NM_201284.2); c.1342G>A, p.Ala448Thr (NM_001346900.2); c.700G>A, p.Ala234Thr (NM_001346941.2); short protein forms A448T, A234T, A456T, A501T.
Identifiers: ClinVar variation 962487 (VCV000962487.8), dbSNP rs1785700447, ClinGen allele CA367579765.